The following is an entry in ClinVar:

ClinVar aggregate classification (germline): Conflicting classifications of pathogenicity. Review status: criteria provided, conflicting classifications (1 of 4 stars). 9 submissions from 9 submitters: Uncertain significance (6); Likely benign (2). 1 of the submissions does not count toward it. Last evaluated 2026-01-28.

Conditions:
Short QT syndrome type 1. Identifiers: Orphanet 51083, MedGen C1865020, MONDO:0012312, OMIM 609620.
Long QT syndrome 2 (LQT2). Identifiers: Orphanet 101016, Orphanet 768, MedGen C3150943, MONDO:0013367, OMIM 613688.
Long QT syndrome (LQTS). Identifiers: MedGen C0023976, MeSH D008133, MONDO:0002442. Disease mechanism: loss of function. Inheritance: Various modes of inheritance.
Cardiovascular phenotype. Identifiers: MedGen CN230736.
Cardiac arrhythmia. Also called: Cardiac rhythm disease; Arrhythmia. Identifiers: MedGen C0003811, MONDO:0007263, HP:0011675.
KCNH2-related disorder. Also called: KCNH2-related condition; KCNH2-related disorders.

Allele frequency attached by ClinVar (database versions not stated): gnomAD exomes 0.00001 and 0.00002; ExAC 0.00002; gnomAD 0.00005; TOPMed 0.00005; ESP Exome Variant Server 0.00008.
gnomAD v4.1: 25 of 1,614,004 alleles (0.0015%); highest among the groups gnomAD compares: African/African-American, 0.017%; no homozygotes.

Submissions (9):

Labcorp Genetics (formerly Invitae), Labcorp
Classification: Uncertain significance for Long QT syndrome. Last evaluated: 2026-01-28. Review status: criteria provided, single submitter. Criteria: Invitae Variant Classification Sherloc (09022015). Collection method: clinical testing. Allele origin: germline.
Comment: This sequence change replaces arginine, which is basic and polar, with glutamine, which is neutral and polar, at codon 148 of the KCNH2 protein (p.Arg148Gln). This variant is present in population databases (rs374912424, gnomAD 0.01%). This missense change has been observed in individual(s) with clinical features of long QT syndrome (internal data). ClinVar contains an entry for this variant (Variation ID: 567306). An algorithm developed to predict the effect of missense changes on protein structure and function (PolyPhen-2) suggests that this variant is likely to be tolerated. In summary, the available evidence is currently insufficient to determine the role of this variant in disease. Therefore, it has been classified as a Variant of Uncertain Significance.

Color Diagnostics, LLC DBA Color Health
Classification: Uncertain significance for Cardiac arrhythmia. Last evaluated: 2024-05-07. Review status: criteria provided, single submitter. Criteria: ACMG Guidelines, 2015. Collection method: clinical testing. Allele origin: germline.
Comment: This missense variant replaces arginine with glutamine at codon 148 of the KCNH2 protein. Computational prediction tools and conservation analyses are inconclusive regarding the impact of this variant on the protein function. Computational splicing tools suggest that this variant may not impact RNA splicing. To our knowledge, functional assays have not been performed for this variant. This variant has been reported in an individual affected with catecholaminergic polymorphic ventricular tachycardia (PMID: 29925740). This variant has also been identified in 7/282240 chromosomes in the general population by the Genome Aggregation Database (gnomAD). Available evidence is insufficient to determine the role of this variant in disease conclusively. Therefore, this variant is classified as a Variant of Uncertain Significance.

All of Us Research Program, National Institutes of Health
Classification: Uncertain significance for Long QT syndrome. Last evaluated: 2023-12-01. Review status: criteria provided, single submitter. Criteria: ACMG Guidelines, 2015. Collection method: clinical testing. Allele origin: germline. Inheritance: Autosomal dominant inheritance. Observed: 6 variant alleles, 6 heterozygotes.
Comment: This missense variant replaces arginine with glutamine at codon 148 of the KCNH2 protein. Computational prediction tools and conservation analyses are inconclusive regarding the impact of this variant on the protein function. Computational splicing tools suggest that this variant may not impact RNA splicing. To our knowledge, functional assays have not been performed for this variant. This variant has been reported in an individual affected with catecholaminergic polymorphic ventricular tachycardia (PMID: 29925740). This variant has also been identified in 7/282240 chromosomes in the general population by the Genome Aggregation Database (gnomAD). Available evidence is insufficient to determine the role of this variant in disease conclusively. Therefore, this variant is classified as a Variant of Uncertain Significance.

This study involves interpretation of variants in research participants for the purpose of population health screening. Participant phenotype was not available at the time of variant classification. Additional details can be found in publication PMID: 35346344, PMCID: PMC8962531

Molecular Genetics, Royal Melbourne Hospital
Classification: Uncertain significance for Long QT syndrome 2. Last evaluated: 2023-09-04. Review status: criteria provided, single submitter. Criteria: ACMG Guidelines, 2015. Collection method: clinical testing. Allele origin: germline. Inheritance: Autosomal dominant inheritance.
Comment: This sequence change in KCHN2 is predicted to replace arginine with glutamine at codon 148, p.(Arg148Gln). The arginine residue is moderately conserved (100 vertebrates, UCSC), and is located in a cytoplasmic region. There is a small physicochemical difference between arginine and glutamine. The highest population minor allele frequency in the population database gnomAD v3.1 is 0.017% (7/41,436 alleles) in the African/African American population. To our knowledge, this variant has not been previously reported in the relevant scientific literature but has been reported in an individual with long QT syndrome by Invitae (ClinVar ID: 567306). Computational evidence is uninformative for the missense substitution (REVEL = 0.427). Based on the classification scheme RMH Modified ACMG Guidelines v1.6.1, this variant is classified as a VARIANT OF UNCERTAIN SIGNIFICANCE. Following criteria are met: none.

Ambry Genetics
Classification: Likely benign for Cardiovascular phenotype. Last evaluated: 2022-12-19. Review status: criteria provided, single submitter. Criteria: Ambry Variant Classification Scheme 2023. Collection method: clinical testing. Allele origin: germline.

Blueprint Genetics
Classification: Likely benign. Last evaluated: 2022-07-13. Review status: criteria provided, single submitter. Criteria: ACMG Guidelines, 2015. Collection method: clinical testing. Allele origin: germline.

Fulgent Genetics
Classification: Uncertain significance for Short QT syndrome type 1; Long QT syndrome 2. Last evaluated: 2021-09-15. Review status: criteria provided, single submitter. Criteria: ACMG Guidelines, 2015. Collection method: clinical testing. Allele origin: unknown.

GeneDx
Classification: Uncertain significance. Last evaluated: 2020-05-21. Review status: criteria provided, single submitter. Criteria: GeneDx Variant Classification Process June 2021. Collection method: clinical testing. Allele origin: germline. Affected: yes.
Comment: In silico analysis supports that this missense variant does not alter protein structure/function; Has not been previously published as pathogenic or benign to our knowledge

PreventionGenetics, part of Exact Sciences
Classification: Uncertain significance for KCNH2-related condition. Last evaluated: 2024-08-30. Review status: no assertion criteria provided. Collection method: clinical testing. Allele origin: germline. Not counted in ClinVar's aggregate classification.
Comment: The KCNH2 c.443G>A variant is predicted to result in the amino acid substitution p.Arg148Gln. This variant has been reported in an individual with catecholaminergic polymorphic ventricular tachycardia (Supplementary file 1, Ozawa et al. 2018. PubMed ID: 29925740). This variant is reported in 0.011% of alleles in individuals of Latino descent in gnomAD. At this time, the clinical significance of this variant is uncertain due to the absence of conclusive functional and genetic evidence.

Literature cited by the submitters: PubMed 29925740 (cited by Color Diagnostics, LLC DBA Color Health and All of Us Research Program, National Institutes of Health).

NM_000238.4(KCNH2):c.443G>A (p.Arg148Gln)

Gene: KCNH2 (potassium voltage-gated channel subfamily H member 2; minus strand). Cytogenetic location: 7q36.1.
Variant type: single nucleotide variant.
Coding change: c.443G>A on transcript NM_000238.4 (MANE Select); coding-DNA position 443, G replaced by A.
Protein change: p.Arg148Gln; replaces arginine 148 with glutamine.
Molecular consequence: missense variant.
Genome position (GRCh38, 1-based): chr7:150,959,601, C>T on the plus strand (G>A on the coding strand, the complement: KCNH2 is on the minus strand). VCF-style: chr7-150959601-C-T. GRCh37 (hg19) VCF-style: chr7-150656689-C-T.
Other names: c.443G>A (NM_000238.2); c.155G>A, p.Arg52Gln (NM_001406753.1, NM_001406756.1); c.266G>A, p.Arg89Gln (NM_001406755.1); c.143G>A, p.Arg48Gln (NM_001406757.1); c.443G>A, p.Arg148Gln (NM_172056.3); short protein forms R148Q, R48Q, R52Q, R89Q.
Identifiers: ClinVar variation 567306 (VCV000567306.26), dbSNP rs374912424, ClinGen allele CA039494.